The following is an entry in ClinVar:

NM_001111125.3(IQSEC2):c.1313G>A (p.Gly438Glu)

Gene: IQSEC2 (IQ motif and Sec7 domain ArfGEF 2; minus strand). Cytogenetic location: Xp11.22.
Variant type: single nucleotide variant.
Coding change: c.1313G>A on transcript NM_001111125.3 (MANE Select); coding-DNA position 1313, G replaced by A.
Protein change: p.Gly438Glu; replaces glycine 438 with glutamic acid.
Molecular consequence: missense variant.
Genome position (GRCh38, 1-based): chrX:53,254,618, C>T on the plus strand (G>A on the coding strand, the complement: IQSEC2 is on the minus strand). VCF-style: chrX-53254618-C-T. GRCh37 (hg19) VCF-style: chrX-53283800-C-T.
Other names: c.1313G>A, p.Gly438Glu (NM_001410736.1); c.698G>A, p.Gly233Glu (NM_015075.2); short protein forms G438E, G233E.
Identifiers: ClinVar variation 2104686 (VCV002104686.4), dbSNP rs2519836764, ClinGen allele CA413169077.

ClinVar aggregate classification (germline): Uncertain significance (1 of 4 stars; one submission).

Conditions:
Intellectual developmental disorder, X-linked 1. Also called: Atkin Flaitz Patil Smith syndrome; Intellectual disability, X-linked 1; MENTAL RETARDATION, X-LINKED 18; MENTAL RETARDATION, X-LINKED 78. Identifiers: Orphanet 777, MedGen C2931498, MONDO:0010656, OMIM 309530.

Allele frequency attached by ClinVar (database versions not stated): gnomAD exomes below 0.00001.
gnomAD v4.1: 1 of 1,198,150 alleles (0.000083%); highest among the groups gnomAD compares: Non-Finnish European, 0.00011%; no homozygotes.

Submission:

Labcorp Genetics (formerly Invitae), Labcorp
Classification: Uncertain significance for Intellectual developmental disorder, X-linked 1. Last evaluated: 2024-11-05. Review status: criteria provided, single submitter. Criteria: Invitae Variant Classification Sherloc (09022015). Collection method: clinical testing. Allele origin: germline.
Comment: This sequence change replaces glycine, which is neutral and non-polar, with glutamic acid, which is acidic and polar, at codon 438 of the IQSEC2 protein (p.Gly438Glu). This variant is not present in population databases (gnomAD no frequency). This variant has not been reported in the literature in individuals affected with IQSEC2-related conditions. ClinVar contains an entry for this variant (Variation ID: 2104686). Invitae Evidence Modeling of protein sequence and biophysical properties (such as structural, functional, and spatial information, amino acid conservation, physicochemical variation, residue mobility, and thermodynamic stability) indicates that this missense variant is not expected to disrupt IQSEC2 protein function with a negative predictive value of 95%. In summary, the available evidence is currently insufficient to determine the role of this variant in disease. Therefore, it has been classified as a Variant of Uncertain Significance.